The following is an entry in ClinVar:

ClinVar aggregate classification (germline): Uncertain significance (1 of 4 stars; one submission).

Conditions:
Inborn genetic diseases. Identifiers: MedGen C0950123, MeSH D030342.

Submission:

Ambry Genetics
Classification: Uncertain significance for Inborn genetic diseases. Last evaluated: 2017-04-14. Review status: criteria provided, single submitter. Criteria: Ambry Variant Classification Scheme 2023. Collection method: clinical testing. Allele origin: germline.
Comment: The c.5941delT variant, located in coding exon 45 of the SPTAN1 gene, results from a deletion of one nucleotide at nucleotide position 5941, causing a translational frameshift with a predicted alternate stop codon (p.S1981Rfs*24). This alteration is expected to result in loss of function by premature protein truncation or nonsense mediated mRNA decay. However, loss of function of SPTAN1 has not been clearly established as a mechanism of disease. Since supporting evidence is limited at this time, the clinical significance of this alteration remains unclear.

NM_001130438.3(SPTAN1):c.5941del (p.Ser1981fs)

Gene: SPTAN1 (spectrin alpha, non-erythrocytic 1; plus strand). Cytogenetic location: 9q34.11.
Variant type: Deletion.
Coding change: c.5941del on transcript NM_001130438.3 (MANE Select); coding-DNA position 5941, one base deleted (T; older notation c.5941delT).
Protein change: p.Ser1981fs; shifts the reading frame from serine 1981.
Molecular consequence: frameshift variant.
Genome position (GRCh38, 1-based): chr9:128,624,436, T deleted. VCF-style (leftmost placement, unchanged base first): chr9-128624435-CT-C. GRCh37 (hg19) VCF-style: chr9-131386714-CT-C.
Other names: c.5866del, p.Ser1956fs (NM_001195532.2); c.5941del, p.Ser1981fs (NM_001363759.2); c.5881del, p.Ser1961fs (NM_001363765.2); c.5926del, p.Ser1976fs (NM_003127.4); short protein forms S1981fs, S1956fs, S1961fs, S1976fs.
Identifiers: ClinVar variation 590123 (VCV000590123.5), dbSNP rs1564311685, ClinGen allele CA891842910.
Genomic context (GRCh38, chr9:128,624,435, plus strand): 5'-CGGGAAAGTGTCAGACCTGGAGAAAGCTGCAGCCCAGAGAAAGGCGAAGCTGGATGAGAA[CT>C]CGGCCTTCCTTCAGTTCAACTGGAAGGCGGACGTGGTGGAGTCCTGGATCGGTGAGCACT-3'